The following is an entry in ClinVar:

NM_012233.3(RAB3GAP1):c.2011C>T (p.Arg671Ter)

Gene: RAB3GAP1 (RAB3 GTPase activating protein catalytic subunit 1; plus strand). Cytogenetic location: 2q21.3.
Variant type: single nucleotide variant.
Coding change: c.2011C>T on transcript NM_012233.3 (MANE Select); coding-DNA position 2011, C replaced by T.
Protein change: p.Arg671Ter; replaces arginine 671 with a stop codon.
Molecular consequence: nonsense.
Genome position (GRCh38, 1-based): chr2:135,150,456, C>T. VCF-style: chr2-135150456-C-T. GRCh37 (hg19) VCF-style: chr2-135908026-C-T.
Other names: c.2011C>T, p.Arg671Ter (NM_001172435.2); short protein forms R671*.
Identifiers: ClinVar variation 7059 (VCV000007059.2), dbSNP rs137853052, ClinGen allele CA118601.

ClinVar aggregate classification (germline): Pathogenic. Review status: criteria provided, single submitter (1 of 4 stars). 2 submissions from 2 submitters: Pathogenic (1). 1 of the submissions does not count toward it. Last evaluated 2025-09-15.

Conditions:
Warburg micro syndrome 1 (WARBM1). Identifiers: Orphanet 2510, MedGen C1838625, MONDO:0010822, OMIM 600118.
Martsolf syndrome 2. Identifiers: MedGen C5543626, MONDO:0030376, OMIM 619420.

Allele frequency attached by ClinVar (database versions not stated): TOPMed below 0.00001.
gnomAD v4.1: 2 of 1,614,186 alleles (0.00012%); highest among the groups gnomAD compares: South Asian, 0.0022%; no homozygotes.

Submissions (2):

First Genomix Gene Laboratory, Genetic Diagnostics Department
Classification: Pathogenic for Martsolf syndrome 2; Warburg micro syndrome 1. Last evaluated: 2025-09-15. Review status: criteria provided, single submitter. Criteria: ACMG Guidelines, 2015. Collection method: clinical testing. Allele origin: germline. Inheritance: Autosomal recessive inheritance. Affected: no. Observed: 1 variant allele.

OMIM
Classification: Pathogenic for WARBURG MICRO SYNDROME 1. Last evaluated: 2007-01-01. Review status: no assertion criteria provided. Collection method: literature only. Allele origin: germline. Not counted in ClinVar's aggregate classification.

Literature cited by the submitters: Megarbane, A., Choueiri, R., Bleik, J., Mezzina, M., Caillaud, C. Microcephaly, microphthalmia, congenital cataract, optic atrophy, short stature, hypotonia, severe psychomotor retardation, and cerebral malformations: a second family with Micro syndrome or a new syndrome? J. Med. Genet. 36: 637-640, 1999. (cited by OMIM); PubMed 15696165 (cited by OMIM); PubMed 18286824 (cited by OMIM).